The following is an entry in ClinVar:

ClinVar aggregate classification (germline): Likely pathogenic (1 of 4 stars; one submission).

Conditions:
Joubert syndrome and related disorders. Identifiers: Orphanet 140874, MedGen C5679612, MONDO:0015369.

Submission:

Women's Health and Genetics/Laboratory Corporation of America, LabCorp
Classification: Likely pathogenic for Joubert syndrome and related disorders. Last evaluated: 2023-03-31. Review status: criteria provided, single submitter. Criteria: LabCorp Variant Classification Summary - May 2015. Collection method: clinical testing. Allele origin: germline.
Comment: Variant summary: The variant identified by MLPA or other technology involves the deletion of exons 3 in the TMEM138 gene. A presumed nomenclature of c.(128+1_129-1)_(300+1_301-1)del has been designated for the purposes of this classification. Although exact breakpoints of this deletion are not known, it is expected to result in a frameshift in the TMEM138 gene, a known mechanism of disease. The variant was absent in 21306 control chromosomes in gnomAD database, structural variants data set. To our knowledge, no occurrence of c.(128+1_129-1)_(300+1_301-1)del in individuals affected with Joubert Syndrome And Related Disorders and no experimental evidence demonstrating its impact on protein function have been reported. One clinical diagnostic laboratory has submitted clinical-significance assessments for this variant to ClinVar after 2014 and classified the variant as pathogenic. Based on the evidence outlined above, the variant was classified as likely pathogenic.

NC_000011.9:g.(61131991_61133516)_(61133689_61135394)del

Gene: TMEM138 (transmembrane protein 138; plus strand). Cytogenetic location: 11q12.2.
Variant type: Deletion.
Identifiers: ClinVar variation 2501221 (VCV002501221.1).